The following is an entry in ClinVar:

ClinVar aggregate classification (germline): Uncertain significance (1 of 4 stars; one submission).

Conditions:
Baller-Gerold syndrome (BGS). Also called: CRANIOSYNOSTOSIS WITH RADIAL DEFECTS. Identifiers: Orphanet 1225, MedGen C0265308, MONDO:0009039, OMIM 218600.

Submission:

Labcorp Genetics (formerly Invitae), Labcorp
Classification: Uncertain significance for Baller-Gerold syndrome. Last evaluated: 2022-08-03. Review status: criteria provided, single submitter. Criteria: Invitae Variant Classification Sherloc (09022015). Collection method: clinical testing. Allele origin: germline.
Comment: In summary, the available evidence is currently insufficient to determine the role of this variant in disease. Therefore, it has been classified as a Variant of Uncertain Significance. Experimental studies and prediction algorithms are not available or were not evaluated, and the functional significance of this variant is currently unknown. ClinVar contains an entry for this variant (Variation ID: 1450080). This variant has not been reported in the literature in individuals affected with RECQL4-related conditions. This variant is not present in population databases (gnomAD no frequency). This sequence change replaces arginine, which is basic and polar, with glycine, which is neutral and non-polar, at codon 10 of the RECQL4 protein (p.Arg10Gly).

NM_004260.4(RECQL4):c.28C>G (p.Arg10Gly)

Genes: RECQL4 (RecQ like helicase 4; minus strand), LOC130001411 (ATAC-STARR-seq lymphoblastoid silent region 19699; plus strand). Cytogenetic location: 8q24.3.
Variant type: single nucleotide variant.
Coding change: c.28C>G on transcript NM_004260.4 (MANE Select); coding-DNA position 28, C replaced by G.
Protein change: p.Arg10Gly; replaces arginine 10 with glycine.
Molecular consequence: missense variant.
Genome position (GRCh38, 1-based): chr8:144,517,757, G>C on the plus strand (C>G on the coding strand, the complement: RECQL4 is on the minus strand). VCF-style: chr8-144517757-G-C. GRCh37 (hg19) VCF-style: chr8-145743141-G-C.
Other names: short protein forms R10G.
Identifiers: ClinVar variation 1450080 (VCV001450080.6), dbSNP rs757678397, ClinGen allele CA372693932.